The following is an entry in ClinVar:

NM_174878.3(CLRN1):c.323T>C (p.Leu108Pro)

Gene: CLRN1 (clarin 1; minus strand). Cytogenetic location: 3q25.1.
Variant type: single nucleotide variant.
Coding change: c.323T>C on transcript NM_174878.3 (MANE Select); coding-DNA position 323, T replaced by C.
Protein change: p.Leu108Pro; replaces leucine 108 with proline.
Molecular consequence: missense variant. On other transcripts: synonymous variant (1), non-coding transcript variant (1).
Genome position (GRCh38, 1-based): chr3:150,941,692, A>G on the plus strand (T>C on the coding strand, the complement: CLRN1 is on the minus strand). VCF-style: chr3-150941692-A-G. GRCh37 (hg19) VCF-style: chr3-150659479-A-G.
Other names: c.323T>C, p.Leu108Pro (NM_001195794.1); c.495T>C, p.Pro165= (NM_001256819.2); c.95T>C, p.Leu32Pro (NM_052995.2); short protein forms L108P, L32P.
Identifiers: ClinVar variation 633701 (VCV000633701.2), dbSNP rs1559982739, ClinGen allele CA354955816.

ClinVar aggregate classification (germline): Pathogenic (1 of 4 stars; one submission).

Conditions:
Usher syndrome type 3. Also called: Usher Syndrome, Type III. Identifiers: Orphanet 231183, MedGen C1568248, MONDO:0016485.

Submission:

The Cell Therapy Center, The University of Jordan
Classification: Pathogenic for Usher syndrome type 3A. Last evaluated: 2019-03-15. Review status: criteria provided, single submitter. Criteria: ACMG Guidelines, 2015. Collection method: research. Allele origin: germline. Inheritance: Autosomal recessive inheritance. Affected: yes and no. Observed: 4 variant alleles, 2 heterozygotes, 2 homozygotes.
Comment: The variant CLRN1 (c.323T>C, p.Leu108Pro) was classified as pathogenic based on its segregation with the disease, allele frequency, and in-silico tools. Audiometry was only done after exome sequencing revealed CLRN1 as the causative gene. So this illustrates the importance of genetic testing to correctly diagnose diseases and how it guides you to detect sub-clinical hearing impairment.